The following is an entry in ClinVar:

NM_006206.6(PDGFRA):c.3196A>T (p.Thr1066Ser)

Gene: PDGFRA (platelet derived growth factor receptor alpha; plus strand). Cytogenetic location: 4q12.
Variant type: single nucleotide variant.
Coding change: c.3196A>T on transcript NM_006206.6 (MANE Select); coding-DNA position 3196, A replaced by T.
Protein change: p.Thr1066Ser; replaces threonine 1066 with serine.
Molecular consequence: missense variant.
Genome position (GRCh38, 1-based): chr4:54,295,198, A>T. VCF-style: chr4-54295198-A-T. GRCh37 (hg19) VCF-style: chr4-55161365-A-T.
Other names: c.3271A>T, p.Thr1091Ser (NM_001347828.2); c.3196A>T, p.Thr1066Ser (NM_001347829.2); c.3235A>T, p.Thr1079Ser (NM_001347830.2); short protein forms T1079S, T1091S, T1066S.
Identifiers: ClinVar variation 2765856 (VCV002765856.3), dbSNP rs2475578984, ClinGen allele CA356896602.
Genomic context (GRCh38, chr4:54,295,198, plus strand): 5'-GAAGAGAGTGCCATTGAGACGGGTTCCAGCAGTTCCACCTTCATCAAGAGAGAGGACGAG[A>T]CCATTGAAGACATCGACATGATGGATGACATCGGCATAGACTCTTCAGACCTGGTGGAAG-3'
Protein context (NP_006197.1, residues 1056-1076): SSTFIKREDE[Thr1066Ser]IEDIDMMDDI

ClinVar aggregate classification (germline): Uncertain significance (1 of 4 stars; one submission).

Conditions:
Gastrointestinal stromal tumor. Also called: Gastrointestinal stromal tumor, somatic; Gastrointestinal stroma tumor. Identifiers: Orphanet 44890, MedGen C0238198, MeSH D046152, MONDO:0011719, OMIM 606764, HP:0100723.

Submission:

Labcorp Genetics (formerly Invitae), Labcorp
Classification: Uncertain significance for Gastrointestinal stromal tumor. Last evaluated: 2024-11-13. Review status: criteria provided, single submitter. Criteria: Invitae Variant Classification Sherloc (09022015). Collection method: clinical testing. Allele origin: germline.
Comment: This sequence change replaces threonine, which is neutral and polar, with serine, which is neutral and polar, at codon 1066 of the PDGFRA protein (p.Thr1066Ser). This variant is not present in population databases (gnomAD no frequency). This variant has not been reported in the literature in individuals affected with PDGFRA-related conditions. ClinVar contains an entry for this variant (Variation ID: 2765856). An algorithm developed to predict the effect of missense changes on protein structure and function (PolyPhen-2) suggests that this variant is likely to be disruptive. In summary, the available evidence is currently insufficient to determine the role of this variant in disease. Therefore, it has been classified as a Variant of Uncertain Significance.